The following is an entry in ClinVar:

Single allele

Genes: IMP3 (IMP U3 small nucleolar ribonucleoprotein 3; minus strand), CIMAP1C (ciliary microtubule associated protein 1C; plus strand), SNX33 (sorting nexin 33; plus strand), SIN3A (SIN3 transcription regulator family member A; minus strand), NEIL1 (nei like DNA glycosylase 1; plus strand) and 5 more. Cytogenetic location: 15q24.2.
Variant type: Duplication.
Identifiers: ClinVar variation 560141 (VCV000560141.3).

ClinVar aggregate classification (germline): Uncertain significance (1 of 4 stars; one submission).

Conditions:
SIN3A-related intellectual disability syndrome due to a point mutation. Also called: WITTEVEEN-KOLK SYNDROME; 15q24 Microdeletion Syndrome. Identifiers: Orphanet 500166, Orphanet 94065, MedGen C4310804, MONDO:0044700, OMIM 613406.

Submission:

Geisinger Autism and Developmental Medicine Institute, Geisinger Health System
Classification: Uncertain significance for SIN3A-related intellectual disability syndrome due to a point mutation. Last evaluated: 2018-03-30. Review status: criteria provided, single submitter. Criteria: ACMG CNV Guidelines, 2011. Collection method: provider interpretation. Allele origin: unknown.
Comment: Parental testing was not completed. This duplication includes 10 genes, including SIN3A. This duplication is within the 15q24 region, and similar duplications have been reported in patients with a similar phenotype to the recurrent deletion. The clinical significance of this duplication remains unclear.

Literature cited by the submitters: PubMed 18755302; PubMed 19557438.